The following is an entry in ClinVar:

NM_014264.5(PLK4):c.5C>T (p.Ala2Val)

Genes: PLK4 (polo like kinase 4; plus strand), LOC129993054 (ATAC-STARR-seq lymphoblastoid active region 21887; plus strand). Cytogenetic location: 4q28.1.
Variant type: single nucleotide variant.
Coding change: c.5C>T on transcript NM_014264.5 (MANE Select); coding-DNA position 5, C replaced by T.
Protein change: p.Ala2Val; replaces alanine 2 with valine.
Molecular consequence: missense variant.
Genome position (GRCh38, 1-based): chr4:127,881,139, C>T. VCF-style: chr4-127881139-C-T. GRCh37 (hg19) VCF-style: chr4-128802294-C-T.
Other names: c.5C>T, p.Ala2Val (NM_001190799.2); short protein forms A2V.
Identifiers: ClinVar variation 1366211 (VCV001366211.8), dbSNP rs1460670646, ClinGen allele CA358166781.

ClinVar aggregate classification (germline): Uncertain significance (1 of 4 stars; one submission).

gnomAD v4.1: 1 of 1,613,930 alleles (0.000062%); highest among the groups gnomAD compares: African/African-American, 0.0013%; no homozygotes.

Submission:

Labcorp Genetics (formerly Invitae), Labcorp
Classification: Uncertain significance. Last evaluated: 2022-11-22. Review status: criteria provided, single submitter. Criteria: Invitae Variant Classification Sherloc (09022015). Collection method: clinical testing. Allele origin: germline.
Comment: This sequence change replaces alanine, which is neutral and non-polar, with valine, which is neutral and non-polar, at codon 2 of the PLK4 protein (p.Ala2Val). This variant is not present in population databases (gnomAD no frequency). This variant has not been reported in the literature in individuals affected with PLK4-related conditions. ClinVar contains an entry for this variant (Variation ID: 1366211). Algorithms developed to predict the effect of missense changes on protein structure and function are either unavailable or do not agree on the potential impact of this missense change (SIFT: "Tolerated"; PolyPhen-2: "Possibly Damaging"; Align-GVGD: "Class C0"). In summary, the available evidence is currently insufficient to determine the role of this variant in disease. Therefore, it has been classified as a Variant of Uncertain Significance.